The following is an entry in ClinVar:

ClinVar aggregate classification (germline): Likely benign (0 of 4 stars; one submission).

Conditions:
SPATA13-related disorder. Also called: SPATA13-related condition.

Allele frequency attached by ClinVar (database versions not stated): gnomAD exomes 0.00010; TOPMed 0.00012; ESP Exome Variant Server 0.00015; gnomAD 0.00016; ExAC 0.00029; 1000 Genomes Project 30x 0.00094; 1000 Genomes Project 0.00120.
gnomAD v4.1: 173 of 1,614,186 alleles (0.011%); highest among the groups gnomAD compares: South Asian, 0.12%; 1 homozygote.

Submission:

PreventionGenetics, part of Exact Sciences
Classification: Likely benign for SPATA13-related condition. Last evaluated: 2022-02-07. Review status: no assertion criteria provided. Collection method: clinical testing. Allele origin: germline.
Comment: This variant is classified as likely benign based on ACMG/AMP sequence variant interpretation guidelines (Richards et al. 2015 PMID: 25741868, with internal and published modifications).

NM_001166271.3(SPATA13):c.3299C>T (p.Thr1100Met)

Gene: SPATA13 (spermatogenesis associated 13; plus strand). Cytogenetic location: 13q12.12.
Variant type: single nucleotide variant.
Coding change: c.3299C>T on transcript NM_001166271.3 (MANE Select); coding-DNA position 3299, C replaced by T.
Protein change: p.Thr1100Met; replaces threonine 1100 with methionine.
Molecular consequence: missense variant.
Genome position (GRCh38, 1-based): chr13:24,297,451, C>T. VCF-style: chr13-24297451-C-T. GRCh37 (hg19) VCF-style: chr13-24871589-C-T.
Other names: c.3485C>T, p.Thr1162Met (NM_001286792.2); c.1004C>T, p.Thr335Met (NM_001286793.2); c.1256C>T, p.Thr419Met (NM_001286794.2); c.1190C>T, p.Thr397Met (NM_001286795.2); c.1424C>T, p.Thr475Met (NM_153023.4); short protein forms T1100M, T1162M, T335M, T397M, T419M, T475M.
Identifiers: ClinVar variation 3058486 (VCV003058486.2), dbSNP rs145656991, ClinGen allele CA6914500.